The following is an entry in ClinVar:

ClinVar aggregate classification (germline): Conflicting classifications of pathogenicity. Review status: criteria provided, conflicting classifications (1 of 4 stars). 2 submissions from 2 submitters: Likely pathogenic (1); Uncertain significance (1). Last evaluated 2025-04-29.

Conditions:
PHIP-related disorder. Also called: PHIP-related disorders; PHIP-related condition.

Submissions (2):

PreventionGenetics, part of Exact Sciences
Classification: Uncertain significance for PHIP-related condition. Last evaluated: 2025-04-29. Review status: criteria provided, single submitter. Criteria: ACMG Guidelines, 2015. Collection method: clinical testing. Allele origin: germline.
Comment: The PHIP c.1463A>G variant is predicted to result in the amino acid substitution p.Asp488Gly. To our knowledge, this variant has not been reported in the literature or in a large population database (gnomAD), indicating this variant is rare. Similar variants at this codon have been reported as de novo and classified as likely pathogenic in individuals with clinical features consistent with Chung–Jansen syndrome, indicating this codon is clinically important (Sudnawa et al. 2023. PubMed ID: 37961033). This variant is classified as likely pathogenic in ClinVar by a single submitting lab. Although we suspect that this variant may be pathogenic, at this time, the clinical significance of this variant is uncertain due to the absence of conclusive functional and genetic evidence.

Labcorp Genetics (formerly Invitae), Labcorp
Classification: Likely pathogenic. Last evaluated: 2025-01-23. Review status: criteria provided, single submitter. Criteria: Invitae Variant Classification Sherloc (09022015). Collection method: clinical testing. Allele origin: germline.
Comment: This sequence change replaces aspartic acid, which is acidic and polar, with glycine, which is neutral and non-polar, at codon 488 of the PHIP protein (p.Asp488Gly). This variant is not present in population databases (gnomAD no frequency). This variant has not been reported in the literature in individuals affected with PHIP-related conditions. Invitae Evidence Modeling of protein sequence and biophysical properties (such as structural, functional, and spatial information, amino acid conservation, physicochemical variation, residue mobility, and thermodynamic stability) indicates that this missense variant is expected to disrupt PHIP protein function with a positive predictive value of 95%. This variant disrupts the p.Asp488 amino acid residue in PHIP. Other variant(s) that disrupt this residue have been determined to be pathogenic (PMID: 35863899, 37961033). This suggests that this residue is clinically significant, and that variants that disrupt this residue are likely to be disease-causing. In summary, the currently available evidence indicates that the variant is pathogenic, but additional data are needed to prove that conclusively. Therefore, this variant has been classified as Likely Pathogenic.

Literature cited by the submitters: PubMed 35863899 (cited by Labcorp Genetics (formerly Invitae), Labcorp); PubMed 37961033 (cited by Labcorp Genetics (formerly Invitae), Labcorp).

NM_017934.7(PHIP):c.1463A>G (p.Asp488Gly)

Gene: PHIP (PHIP subunit of CUL4-Ring ligase complex; minus strand). Cytogenetic location: 6q14.1.
Variant type: single nucleotide variant.
Coding change: c.1463A>G on transcript NM_017934.7 (MANE Select); coding-DNA position 1463, A replaced by G.
Protein change: p.Asp488Gly; replaces aspartic acid 488 with glycine.
Molecular consequence: missense variant.
Genome position (GRCh38, 1-based): chr6:79,015,143, T>C on the plus strand (A>G on the coding strand, the complement: PHIP is on the minus strand). VCF-style: chr6-79015143-T-C. GRCh37 (hg19) VCF-style: chr6-79724860-T-C.
Other names: c.1463A>G (NM_017934.6); short protein forms D488G.
Identifiers: ClinVar variation 3720133 (VCV003720133.3).